The following is an entry in ClinVar:

ClinVar aggregate classification (germline): Uncertain significance. Review status: criteria provided, multiple submitters, no conflicts (2 of 4 stars). 2 submissions from 2 submitters: Uncertain significance (2). Last evaluated 2023-10-02.

Conditions:
Neuronal ceroid lipofuscinosis 1 (CLN1). Also called: PPT1-Related Neuronal Ceroid-Lipofuscinosis; CEROID LIPOFUSCINOSIS, NEURONAL, 1, VARIABLE AGE AT ONSET. Identifiers: Orphanet 228329, MedGen C1850451, MONDO:0009744, OMIM 256730.

Allele frequency attached by ClinVar (database versions not stated): ESP Exome Variant Server 0.00008.

Submissions (2):

Blueprint Genetics
Classification: Uncertain significance. Last evaluated: 2023-10-02. Review status: criteria provided, single submitter. Criteria: ACMG Guidelines, 2015. Collection method: clinical testing. Allele origin: germline.

Labcorp Genetics (formerly Invitae), Labcorp
Classification: Uncertain significance for Neuronal ceroid lipofuscinosis 1. Last evaluated: 2022-06-28. Review status: criteria provided, single submitter. Criteria: Invitae Variant Classification Sherloc (09022015). Collection method: clinical testing. Allele origin: germline.
Comment: This sequence change replaces leucine, which is neutral and non-polar, with methionine, which is neutral and non-polar, at codon 7 of the PPT1 protein (p.Leu7Met). This variant is present in population databases (rs375262288, gnomAD 0.007%). This variant has not been reported in the literature in individuals affected with PPT1-related conditions. Advanced modeling of protein sequence and biophysical properties (such as structural, functional, and spatial information, amino acid conservation, physicochemical variation, residue mobility, and thermodynamic stability) performed at Invitae indicates that this missense variant is not expected to disrupt PPT1 protein function. In summary, the available evidence is currently insufficient to determine the role of this variant in disease. Therefore, it has been classified as a Variant of Uncertain Significance.

NM_000310.4(PPT1):c.19C>A (p.Leu7Met)

Gene: PPT1 (palmitoyl-protein thioesterase 1; minus strand). Cytogenetic location: 1p34.2.
Variant type: single nucleotide variant.
Coding change: c.19C>A on transcript NM_000310.4 (MANE Select); coding-DNA position 19, C replaced by A.
Protein change: p.Leu7Met; replaces leucine 7 with methionine.
Molecular consequence: missense variant.
Genome position (GRCh38, 1-based): chr1:40,097,220, G>T on the plus strand (C>A on the coding strand, the complement: PPT1 is on the minus strand). VCF-style: chr1-40097220-G-T. GRCh37 (hg19) VCF-style: chr1-40562892-G-T.
Other names: c.19C>A, p.Leu7Met (NM_001142604.2, NM_001363695.2); short protein forms L7M.
Identifiers: ClinVar variation 1436100 (VCV001436100.6), dbSNP rs375262288, ClinGen allele CA789858.
Genomic context (GRCh38, chr1:40,097,220, plus strand): 5'-GATGCTGCAGCGCCCGAGAAGCGCAGGTCCATGGCAGGAGAGCCACAGCCAAGAGCCACA[G>T]GCAGCCGGGCGACGCCATCTTCGCTGTGTCACATGACCGCGGGCGCGAGACTCCGGGAAC-3'
Protein context (NP_000301.1, residues 1-17): MASPGC[Leu7Met]WLLAVALLPW